The following is an entry in ClinVar:

NM_001301131.2(POLR2F):c.293+19107G>A

Genes: POLR2F (RNA polymerase II, I and III subunit F; plus strand), LOC110120893 (VISTA enhancer hs564; plus strand). Cytogenetic location: 22q13.1.
Variant type: single nucleotide variant.
Coding change: c.293+19107G>A on transcript NM_001301131.2; 19107 bases into the intron after coding-DNA position 293, G replaced by A.
Molecular consequence: intron variant. On other transcripts: synonymous variant (1).
Genome position (GRCh38, 1-based): chr22:37,986,277, G>A. VCF-style: chr22-37986277-G-A. GRCh37 (hg19) VCF-style: chr22-38382284-G-A.
Other names: c.417G>A, p.Pro139= (NM_001301130.2); c.*38+13967G>A (NM_001363825.1).
Identifiers: ClinVar variation 4873388 (VCV004873388.2).

ClinVar aggregate classification (germline): Likely benign (1 of 4 stars; one submission).

gnomAD v4.1: 22 of 1,538,484 alleles (0.0014%); highest among the groups gnomAD compares: Middle Eastern, 0.017%; no homozygotes.

Submission:

CeGaT Center for Human Genetics Tuebingen
Classification: Likely benign. Last evaluated: 2026-05-01. Review status: criteria provided, single submitter. Criteria: CeGaT Center For Human Genetics Tuebingen Variant Classification Criteria Version 2. Collection method: clinical testing. Allele origin: germline. Affected: yes. Observed: 1 variant allele.
Comment: POLR2F: BP4, BP7